The following is an entry in ClinVar:

ClinVar aggregate classification (germline): Benign/Likely benign. Review status: criteria provided, multiple submitters, no conflicts (2 of 4 stars). 5 submissions from 5 submitters: Benign (2); Likely benign (2). 1 of the submissions does not count toward it. Last evaluated 2026-01-28.

Conditions:
TSFM-related disorder. Also called: TSFM-related condition.

Allele frequency attached by ClinVar (database versions not stated): 1000 Genomes Project 0.00060; 1000 Genomes Project 30x 0.00078; gnomAD 0.00090 and 0.00096; TOPMed 0.00102; ESP Exome Variant Server 0.00131.
gnomAD v4.1: 294 of 1,613,476 alleles (0.018%); highest among the groups gnomAD compares: African/African-American, 0.33%; no homozygotes.

Submissions (5):

Labcorp Genetics (formerly Invitae), Labcorp
Classification: Benign. Last evaluated: 2026-01-28. Review status: criteria provided, single submitter. Criteria: Invitae Variant Classification Sherloc (09022015). Collection method: clinical testing. Allele origin: germline.

Mayo Clinic Laboratories, Mayo Clinic
Classification: Likely benign. Last evaluated: 2025-03-05. Review status: criteria provided, single submitter. Criteria: ACMG Guidelines, 2015. Collection method: clinical testing. Allele origin: germline. Observed: 2 variant alleles.
Comment: BS1, BP4, BP7

Blueprint Genetics
Classification: Likely benign. Last evaluated: 2024-07-24. Review status: criteria provided, single submitter. Criteria: ACMG Guidelines, 2015. Collection method: clinical testing. Allele origin: germline.

GeneDx
Classification: Benign. Last evaluated: 2015-03-24. Review status: criteria provided, single submitter. Criteria: GeneDx Variant Classification (06012015). Collection method: clinical testing. Allele origin: germline. Affected: yes.
Comment: This variant is considered likely benign or benign based on one or more of the following criteria: it is a conservative change, it occurs at a poorly conserved position in the protein, it is predicted to be benign by multiple in silico algorithms, and/or has population frequency not consistent with disease.

PreventionGenetics, part of Exact Sciences
Classification: Likely benign for TSFM-related condition. Last evaluated: 2020-02-11. Review status: no assertion criteria provided. Collection method: clinical testing. Allele origin: germline. Not counted in ClinVar's aggregate classification.
Comment: This variant is classified as likely benign based on ACMG/AMP sequence variant interpretation guidelines (Richards et al. 2015 PMID: 25741868, with internal and published modifications).

NM_005726.6(TSFM):c.117T>A (p.Arg39=)

Gene: TSFM (Ts translation elongation factor, mitochondrial; plus strand). Cytogenetic location: 12q14.1.
Variant type: single nucleotide variant.
Coding change: c.117T>A on transcript NM_005726.6 (MANE Select); coding-DNA position 117, T replaced by A.
Protein change: p.Arg39=; no amino-acid change (arginine 39 retained).
Molecular consequence: synonymous variant.
Genome position (GRCh38, 1-based): chr12:57,783,169, T>A. VCF-style: chr12-57783169-T-A. GRCh37 (hg19) VCF-style: chr12-58176952-T-A.
Other names: p.Arg39=; c.117T>A, p.Arg39= (NM_001172695.2, NM_001172696.2, NM_001172697.2).
Identifiers: ClinVar variation 378795 (VCV000378795.16), dbSNP rs147609698, ClinGen allele CA6659223.
Genomic context (GRCh38, chr12:57,783,169, plus strand): 5'-GGCTGGGTCTCTTCTGCGTCAGTCGCCCCAGCCAAGGCACACATTTTATGCTGGGCCCCG[T>A]CTGTCTGCCTCGGCCTCCAGCAAGGAGCTCCTCATGAAGCTGCGGCGGAAAACAGGCTAC-3'
Protein context (NP_005717.3, residues 29-49): QPRHTFYAGP[Arg39=]LSASASSKEL